The following is an entry in ClinVar:

ClinVar aggregate classification (germline): Pathogenic (1 of 4 stars; one submission).

Conditions:
Polycystic kidney disease, adult type (PKD1). Also called: POLYCYSTIC KIDNEY DISEASE, ADULT, TYPE I; Polycystic Kidney, Autosomal Dominant; Polycystic Kidney Disease 1, Autosomal Dominant; Polycystic kidney disease 1; Polycystic kidney disease 1, severe; POLYCYSTIC KIDNEY DISEASE 1 WITH OR WITHOUT POLYCYSTIC LIVER DISEASE. Identifiers: MedGen C3149841, MONDO:0008263, OMIM 173900.

Submission:

MVZ Medizinische Genetik Mainz
Classification: Pathogenic for Polycystic kidney disease, adult type. Last evaluated: 2024-12-05. Review status: criteria provided, single submitter. Criteria: UK Practice Guidelines For Variant Classification V4 01 2020. Collection method: clinical testing. Allele origin: germline. Inheritance: Autosomal dominant inheritance. Affected: yes. Observed: 1 variant allele.
Comment: ACMG Criteria: PVS1,PM2_SUP,PP4

NM_001009944.3(PKD1):c.8461dup (p.Asp2821fs)

Gene: PKD1 (polycystin 1, transient receptor potential channel interacting; minus strand). Cytogenetic location: 16p13.3.
Variant type: Duplication.
Coding change: c.8461dup on transcript NM_001009944.3 (MANE Select); coding-DNA position 8461, one base duplicated (G; older notation c.8461dupG).
Protein change: p.Asp2821fs; shifts the reading frame from aspartic acid 2821.
Molecular consequence: frameshift variant.
Genome position (GRCh38, 1-based): chr16:2,103,596, C duplicated on the plus strand (G on the coding strand, the reverse complement: PKD1 is on the minus strand). VCF-style (leftmost placement, unchanged base first): chr16-2103595-T-TC. GRCh37 (hg19) VCF-style: chr16-2153596-T-TC.
Other names: c.8461dup, p.Asp2821fs (NM_000296.4); short protein forms D2821fs.
Identifiers: ClinVar variation 3392549 (VCV003392549.1).